The following is an entry in ClinVar:

NM_000143.4(FH):c.320A>C (p.Asn107Thr)

Gene: FH (fumarate hydratase; minus strand). Cytogenetic location: 1q43.
Variant type: single nucleotide variant.
Coding change: c.320A>C on transcript NM_000143.4 (MANE Select); coding-DNA position 320, A replaced by C.
Protein change: p.Asn107Thr; replaces asparagine 107 with threonine.
Molecular consequence: missense variant.
Genome position (GRCh38, 1-based): chr1:241,513,661, T>G on the plus strand (A>C on the coding strand, the complement: FH is on the minus strand). VCF-style: chr1-241513661-T-G. GRCh37 (hg19) VCF-style: chr1-241676961-T-G.
Other names: N64T; p.N107T:AAC>ACC.
Identifiers: ClinVar variation 92455 (VCV000092455.35), dbSNP rs121913121, ClinGen allele CA257456.

ClinVar aggregate classification (germline): Pathogenic/Likely pathogenic. Review status: criteria provided, multiple submitters, no conflicts (2 of 4 stars). 13 submissions from 13 submitters: Pathogenic (10); Likely pathogenic (2). 1 of the submissions does not count toward it. Last evaluated 2025-12-17.

Conditions:
Hereditary cancer-predisposing syndrome. Also called: Tumor predisposition; Neoplastic Syndromes, Hereditary; Hereditary neoplastic syndrome; Hereditary Cancer Syndrome. Identifiers: Orphanet 140162, MedGen C0027672, MeSH D009386, MONDO:0015356.
Hereditary leiomyomatosis and renal cell cancer. Also called: FH tumor predisposition syndrome; Reed syndrome; Multiple cutaneous and uterine leiomyomatosis; Cutaneous leiomyomata with uterine leiomyomata; Leiomyoma, hereditary multiple, of skin; Multiple cutaneous and uterine leiomyomata. Identifiers: Orphanet 523, MedGen C1708350, MONDO:0007888, OMIM 150800, HP:0007437. Disease mechanism: loss of function.
Fumarase deficiency (FMRD). Also called: Fumaric aciduria; Fumarate Hydratase Deficiency. Identifiers: Orphanet 24, MedGen C0342770, MONDO:0011730, OMIM 606812.

Allele frequency attached by ClinVar (database versions not stated): gnomAD exomes 0.00001.
gnomAD v4.1: 11 of 1,614,112 alleles (0.00068%); highest among the groups gnomAD compares: Non-Finnish European, 0.00085%; no homozygotes.

Submissions (13):

Variantyx, Inc.
Classification: Pathogenic for Hereditary leiomyomatosis and renal cell cancer. Last evaluated: 2025-12-17. Review status: criteria provided, single submitter. Criteria: Variantyx Assertion Criteria 2022. Collection method: clinical testing. Allele origin: germline. Inheritance: Autosomal dominant inheritance. Affected: yes.
Comment: This is a nonsynonymous variant in the FH gene (OMIM: 136850). Pathogenic variants in this gene have been associated with autosomal dominant hereditary leiomyomatosis and renal cell cancer. This variant has been reported in several unrelated affected individuals (PMID: 12761039, 15937070, 16757530, 21630274) (PS4) and it has been observed to segregate with disease in at least 17 individuals from 6 families (PMID: 12761039) (PP1). Multiple computational algorithms predict a deleterious effect for this variant (REVEL score: 0.892) (PP3). This variant has a 0.0008% maximum allele frequency in non-founder control populations (PM2). Based on the current evidence, this variant is classified as pathogenic for autosomal dominant hereditary leiomyomatosis and renal cell cancer.

Ambry Genetics
Classification: Pathogenic for Hereditary cancer-predisposing syndrome. Last evaluated: 2025-11-04. Review status: criteria provided, single submitter. Criteria: Ambry Variant Classification Scheme 2023. Collection method: clinical testing. Allele origin: germline.
Comment: The p.N107T pathogenic mutation (also known as c.320A>C), located in coding exon 3 of the FH gene, results from an A to C substitution at nucleotide position 320. The asparagine at codon 107 is replaced by threonine, an amino acid with similar properties. This variant was reported in individual(s) with features consistent with FH-related tumor predisposition (Sanz-Ortega J et al. Am J Surg Pathol. 2013 Jan;37(1):74-80; Carvajal-Carmona L et al. J Clin Endocrinol Metab. 2006 Aug;91(8):3071-5; Wei M et al. J Med Genet. 2006 Jan;43(1):18-27; Udager AM et al. Am. J. Surg. Pathol. 2014 Apr;38:567-77; Trpkov K et al. Am. J. Surg. Pathol. 2016 Jul;40:865-75; Bardella C et al. J. Pathol. 2011 Sep;225:4-11), and segregated with disease in at least one family (Tomlinson I et al. Nat Genet. 2002 Apr;30(4):406-10; Alam N et al. Hum Mol Genet. 2003 Jun 1;12(11):1241-52). This variant is considered to be rare based on population cohorts in the Genome Aggregation Database (gnomAD). This amino acid position is highly conserved in available vertebrate species. In addition, this alteration is predicted to be deleterious by in silico analysis. Based on the supporting evidence, this alteration is interpreted as a disease-causing mutation.

Labcorp Genetics (formerly Invitae), Labcorp
Classification: Pathogenic. Last evaluated: 2025-09-19. Review status: criteria provided, single submitter. Criteria: Invitae Variant Classification Sherloc (09022015). Collection method: clinical testing. Allele origin: germline.
Comment: This sequence change replaces asparagine, which is neutral and polar, with threonine, which is neutral and polar, at codon 107 of the FH protein (p.Asn107Thr). This variant is not present in population databases (gnomAD no frequency). This missense change has been observed in individuals with hereditary leiomyomatosis and renal cell cancer (PMID: 11865300, 15937070, 16757530, 21630274, 23211287, 24625422, 26900816). It has also been observed to segregate with disease in related individuals. This variant is also known as c.191A>C, p.Asn64Thr. ClinVar contains an entry for this variant (Variation ID: 92455). Invitae Evidence Modeling of protein sequence and biophysical properties (such as structural, functional, and spatial information, amino acid conservation, physicochemical variation, residue mobility, and thermodynamic stability) indicates that this missense variant is expected to disrupt FH protein function with a positive predictive value of 95%. Experimental studies are conflicting or provide insufficient evidence to determine the effect of this variant on FH function (PMID: 11865300). For these reasons, this variant has been classified as Pathogenic.

Women's Health and Genetics/Laboratory Corporation of America, LabCorp
Classification: Pathogenic for Fumarase deficiency. Last evaluated: 2025-01-31. Review status: criteria provided, single submitter. Criteria: LabCorp Variant Classification Summary - May 2015. Collection method: clinical testing. Allele origin: germline.
Comment: Variant summary: FH c.320A>C (p.Asn107Thr) results in a non-conservative amino acid change located in the Fumarase/aspartase N-terminal domain (Fumarase/aspartase (N-terminal domain)) of the encoded protein sequence. Five of five in-silico tools predict a damaging effect of the variant on protein function. The variant was absent in 251456 control chromosomes. c.320A>C has been reported in the literature in multiple individuals affected with Autosomal dominant Leiomyomatosis and renal cell cancer (Tomlinson_2002, Carvajal-Carmona_2006, Wei_2006, Sanz-Ortega_2013, Udager_2014, Scharnitz_2023). These data indicate that the variant is very likely to be associated with disease. To our knowledge, no experimental evidence demonstrating an impact on protein function has been reported. The following publications have been ascertained in the context of this evaluation (PMID: 16757530, 23211287, 36777509, 11865300, 26900816, 24625422, 15937070). ClinVar contains an entry for this variant (Variation ID: 92455). Based on the evidence outlined above, the variant was classified as pathogenic.

Fulgent Genetics
Classification: Pathogenic for Hereditary leiomyomatosis and renal cell cancer; Fumarase deficiency. Last evaluated: 2024-04-03. Review status: criteria provided, single submitter. Criteria: ACMG Guidelines, 2015. Collection method: clinical testing. Allele origin: germline.

GeneDx
Classification: Pathogenic. Last evaluated: 2023-08-18. Review status: criteria provided, single submitter. Criteria: GeneDx Variant Classification Process June 2021. Collection method: clinical testing. Allele origin: germline. Affected: yes.
Comment: Not observed at significant frequency in large population cohorts (gnomAD); In silico analysis supports that this missense variant has a deleterious effect on protein structure/function; Also known as N64T; This variant is associated with the following publications: (PMID: 16029320, 26900816, 21445611, 23211287, 21630274, 16757530, 19939761, 15937070, 12761039, 29909963, 11865300, 34604083, 36777509, 24625422)

Myriad Genetics, Inc.
Classification: Likely pathogenic for Hereditary leiomyomatosis and renal cell cancer. Last evaluated: 2023-07-05. Review status: criteria provided, single submitter. Criteria: Myriad Autosomal Dominant, Autosomal Recessive and X-Linked Classification Criteria (2023). Collection method: clinical testing. Allele origin: unknown.
Comment: This variant is considered likely pathogenic. This variant has been reported in multiple individuals with clinical features of gene-specific disease [PMID: 12761039, 16237213, 11865300, 31831373, 34604083]. Functional studies indicate this variant impacts protein function [PMID: 16237213,11865300, 16597677, 20109171]. This variant is expected to disrupt protein structure [Myriad internal data].

Sema4
Classification: Pathogenic for Hereditary cancer-predisposing syndrome. Last evaluated: 2021-12-17. Review status: criteria provided, single submitter. Criteria: Sema4 Curation Guidelines. Collection method: curation. Allele origin: germline.
Comment: The FH c.320A>C (p.N107T) variant has been reported in heterozygosity in numerous individuals with a clinical diagnosis of hereditary leiomyomatosis and renal cell cancer (PMID: 11865300, 12761039, 23211287, 24625422, 29909963, 34604083, among others). Most individuals with this variant had cutaneous and uterine leiomyomas, and at least one individual had renal cell cancer. Leiomyomas found in these patients exhibited loss of heterozygosity of FH (PMID: 12761039). In one family, this variant was found to segregate with the phenotype across 16 meioses/individuals (PMID: 11865300). This variant is also known as c.191A>C (p.N64T) in the literature. This variant is not reported in the population database Genome Aggregation Database (PMID: 32461654). This variant has been reported in ClinVar (Variation ID: 92455). Based on the current evidence available, this variant is interpreted as pathogenic.

Revvity Omics, Revvity
Classification: Pathogenic. Last evaluated: 2019-04-17. Review status: criteria provided, single submitter. Criteria: ACMG Guidelines, 2015. Collection method: clinical testing. Allele origin: germline.

Academic Department of Medical Genetics, University of Cambridge
Classification: Likely pathogenic for Hereditary cancer-predisposing syndrome. Last evaluated: 2018-01-26. Review status: criteria provided, single submitter. Criteria: ACMG Guidelines, 2015. Collection method: research. Allele origin: germline. Affected: yes. Observed: 1 heterozygote.
Comment: Application of AMCG guidelines 2015. Used other ClinVar submission evidence where relevant. Loss of heterozygosity in tumours or immunohistochemistry abnormalities considered functional evidence of pathogenicity.

Identified as part of research study of individuals with multiple primary tumours referred for genetic assessment

Genomic Diagnostic Laboratory, Division of Genomic Diagnostics, Children's Hospital of Philadelphia
Classification: Pathogenic for Hereditary leiomyomatosis and renal cell cancer. Last evaluated: 2017-01-17. Review status: criteria provided, single submitter. Criteria: DGD Variant Analysis Guidelines. Collection method: clinical testing. Allele origin: germline. Affected: yes. Observed: 5 variant alleles.
Comment: Clinical Testing

Eurofins Ntd Llc (ga)
Classification: Pathogenic. Last evaluated: 2015-10-12. Review status: criteria provided, single submitter. Criteria: EGL Classification Definitions. Collection method: clinical testing. Allele origin: germline. Observed: 3 variant alleles, 3 heterozygotes.

OMIM
Classification: Pathogenic for HEREDITARY LEIOMYOMATOSIS AND RENAL CELL CANCER. Last evaluated: 2006-08-01. Review status: no assertion criteria provided. Collection method: literature only. Allele origin: germline. Not counted in ClinVar's aggregate classification.

Literature cited by the submitters: PubMed 12761039 (cited by 4 submitters); PubMed 16029320 (cited by Ambry Genetics); PubMed 19939761 (cited by Ambry Genetics); PubMed 21445611 (cited by Ambry Genetics); PubMed 21630274 (cited by Ambry Genetics and Labcorp Genetics (formerly Invitae), Labcorp); PubMed 24625422 (cited by 4 submitters); PubMed 26900816 (cited by 3 submitters); PubMed 29909963 (cited by Ambry Genetics and Sema4); PubMed 11865300 (cited by 5 submitters); PubMed 15937070 (cited by Labcorp Genetics (formerly Invitae), Labcorp and Women's Health and Genetics/Laboratory Corporation of America, LabCorp); PubMed 16757530 (cited by 3 submitters); PubMed 23211287 (cited by 3 submitters); PubMed 36777509 (cited by Women's Health and Genetics/Laboratory Corporation of America, LabCorp); PubMed 16237213 (cited by Myriad Genetics, Inc.); PubMed 31831373 (cited by Myriad Genetics, Inc.); PubMed 34604083 (cited by Myriad Genetics, Inc. and Sema4); PubMed 16597677 (cited by Myriad Genetics, Inc.); PubMed 20109171 (cited by Myriad Genetics, Inc.).